The following is an entry in ClinVar:

NM_006755.2(TALDO1):c.*9T>C

Gene: TALDO1 (transaldolase 1; plus strand). Cytogenetic location: 11p15.5.
Variant type: single nucleotide variant.
Coding change: c.*9T>C on transcript NM_006755.2 (MANE Select); 9 bases downstream of the stop codon, T replaced by C.
Molecular consequence: 3 prime UTR variant.
Genome position (GRCh38, 1-based): chr11:764,854, T>C. VCF-style: chr11-764854-T-C. GRCh37 (hg19) VCF-style: chr11-764854-T-C.
Identifiers: ClinVar variation 306142 (VCV000306142.7), dbSNP rs7939103, ClinGen allele CA5788418.

ClinVar aggregate classification (germline): Benign. Review status: criteria provided, multiple submitters, no conflicts (2 of 4 stars). 3 submissions from 3 submitters: Benign (3). Last evaluated 2021-09-05.

Conditions:
Deficiency of transaldolase. Also called: EYAID SYNDROME. Identifiers: Orphanet 101028, MedGen C1291329, MONDO:0011624, OMIM 606003.

Allele frequency attached by ClinVar (database versions not stated): gnomAD exomes 0.00174 and 0.00474; ExAC 0.00566; 1000 Genomes Project 0.01398; 1000 Genomes Project 30x 0.01499; gnomAD 0.01800 and 0.01931; ESP Exome Variant Server 0.02030; TOPMed 0.02057.
gnomAD v4.1: 5,477 of 1,614,036 alleles (0.34%); highest among the groups gnomAD compares: African/African-American, 6.2%; 136 homozygotes.

Submissions (3):

Mayo Clinic Laboratories, Mayo Clinic
Classification: Benign. Last evaluated: 2021-09-05. Review status: criteria provided, single submitter. Criteria: ACMG Guidelines, 2015. Collection method: clinical testing. Allele origin: germline. Observed: 9 variant alleles.

Illumina Laboratory Services, Illumina
Classification: Benign for Deficiency of transaldolase. Last evaluated: 2018-01-12. Review status: criteria provided, single submitter. Criteria: ICSL Variant Classification Criteria 13 December 2019. Collection method: clinical testing. Allele origin: germline.
Comment: This variant was observed in the ICSL laboratory as part of a predisposition screen in an ostensibly healthy population. It had not been previously curated by ICSL or reported in the Human Gene Mutation Database (HGMD: prior to June 1st, 2018), and was therefore a candidate for classification through an automated scoring system. Utilizing variant allele frequency, disease prevalence and penetrance estimates, and inheritance mode, an automated score was calculated to assess if this variant is too frequent to cause the disease. Based on the score and internal cut-off values, a variant classified as benign is not then subjected to further curation. The score for this variant resulted in a classification of benign for this disease.

Breakthrough Genomics
Classification: Benign. Review status: criteria provided, single submitter. Criteria: ACMG Guidelines, 2015. Collection method: not provided. Allele origin: germline. Inheritance: Autosomal recessive inheritance. Affected: yes.